The following is an entry in ClinVar:

ClinVar aggregate classification (germline): Benign. Review status: criteria provided, multiple submitters, no conflicts (2 of 4 stars). 3 submissions from 3 submitters: Benign (3). Last evaluated 2026-02-04.

Allele frequency attached by ClinVar (database versions not stated): 1000 Genomes Project 30x 0.48485; 1000 Genomes Project 0.49641; TOPMed 0.53972; gnomAD 0.56117 and 0.56656; ESP Exome Variant Server 0.57012; ExAC 0.64154; gnomAD exomes 0.64155 and 0.71349.
gnomAD v4.1: 1,126,803 of 1,613,274 alleles (70%); highest among the groups gnomAD compares: Non-Finnish European, 75%; 406,290 homozygotes.

Submissions (3):

Labcorp Genetics (formerly Invitae), Labcorp
Classification: Benign. Last evaluated: 2026-02-04. Review status: criteria provided, single submitter. Criteria: Invitae Variant Classification Sherloc (09022015). Collection method: clinical testing. Allele origin: germline.

Laboratory for Molecular Medicine, Mass General Brigham Personalized Medicine
Classification: Benign. Last evaluated: 2016-03-28. Review status: criteria provided, single submitter. Criteria: LMM Criteria. Collection method: clinical testing. Allele origin: germline.
Comment: Variant identified in a genome or exome case(s) and assessed due to predicted null impact of the variant or pathogenic assertions in the literature or databases. Disclaimer: This variant has not undergone full assessment. The following are preliminary notes: Frequency

Breakthrough Genomics
Classification: Benign. Review status: criteria provided, single submitter. Criteria: ACMG Guidelines, 2015. Collection method: not provided. Allele origin: germline. Inheritance: Unknown mechanism. Affected: yes.

NM_003151.4(STAT4):c.1113-4C>T

Gene: STAT4 (signal transducer and activator of transcription 4; minus strand). Cytogenetic location: 2q32.2.
Variant type: single nucleotide variant.
Coding change: c.1113-4C>T on transcript NM_003151.4 (MANE Select); 4 bases into the intron before coding-DNA position 1113, C replaced by T.
Molecular consequence: intron variant.
Genome position (GRCh38, 1-based): chr2:191,058,115, G>A on the plus strand (C>T on the coding strand, the complement: STAT4 is on the minus strand). VCF-style: chr2-191058115-G-A. GRCh37 (hg19) VCF-style: chr2-191922841-G-A.
Other names: c.1113-4C>T (NM_001243835.2).
Identifiers: ClinVar variation 403495 (VCV000403495.14), dbSNP rs3024866, ClinGen allele CA2030670.